The following is an entry in ClinVar:

ClinVar aggregate classification (germline): Uncertain significance (0 of 4 stars; one submission).

Conditions:
SMAD6-related disease. Also called: SMAD6-related disorder; SMAD6-related condition. Identifiers: MedGen CN381596, MONDO:0700324.

Submission:

PreventionGenetics, part of Exact Sciences
Classification: Uncertain significance for SMAD6-related condition. Last evaluated: 2024-09-12. Review status: no assertion criteria provided. Collection method: clinical testing. Allele origin: germline.
Comment: The SMAD6 c.330_342dup13 variant is predicted to result in a frameshift and premature protein termination (p.Trp115Glyfs*10). To our knowledge, this variant has not been reported in the literature or in a large population database, indicating this variant is rare. Although we suspect that this variant may be pathogenic, at this time, the clinical significance of this variant is uncertain due to the absence of conclusive functional and genetic evidence.

NM_005585.5(SMAD6):c.330_342dup (p.Trp115fs)

Gene: SMAD6 (SMAD family member 6; plus strand). Cytogenetic location: 15q22.31.
Variant type: Duplication.
Coding change: c.330_342dup on transcript NM_005585.5 (MANE Select); coding-DNA positions 330 to 342, 13 bases duplicated (GGGAGGCCCGGGC).
Protein change: p.Trp115fs; shifts the reading frame from tryptophan 115.
Molecular consequence: frameshift variant. On other transcripts: non-coding transcript variant (1).
Genome position (GRCh38, 1-based): chr15:66,703,588-66,703,600, GGGAGGCCCGGGC duplicated; duplicating any 13 consecutive bases within chr15:66,703,587-66,703,600 gives the same sequence; the c. name uses the placement nearest the transcript's 3' end. VCF-style (leftmost placement, unchanged base first): chr15-66703586-C-CCGGGAGGCCCGGG. GRCh37 (hg19) VCF-style: chr15-66995924-C-CCGGGAGGCCCGGG.
Other names: short protein forms W115fs.
Identifiers: ClinVar variation 3345027 (VCV003345027.1).